The following is an entry in ClinVar:

NM_000321.3(RB1):c.-15C>T

Gene: RB1 (RB transcriptional corepressor 1; plus strand). Cytogenetic location: 13q14.2.
Variant type: single nucleotide variant.
Coding change: c.-15C>T on transcript NM_000321.3 (MANE Select); 15 bases upstream of the start codon, C replaced by T.
Molecular consequence: 5 prime UTR variant.
Genome position (GRCh38, 1-based): chr13:48,303,898, C>T. VCF-style: chr13-48303898-C-T. GRCh37 (hg19) VCF-style: chr13-48878034-C-T.
Other names: c.-15C>T (NM_001407165.1, NM_001407166.1, NM_001407167.1).
Identifiers: ClinVar variation 2960634 (VCV002960634.4), dbSNP rs780264811, ClinGen allele CA955794794.

ClinVar aggregate classification (germline): Conflicting classifications of pathogenicity. Review status: criteria provided, conflicting classifications (1 of 4 stars). 3 submissions from 3 submitters: Uncertain significance (2); Likely benign (1). Last evaluated 2025-09-17.

Conditions:
Hereditary retinoblastoma. Identifiers: Orphanet 357027, MedGen C0751483, MONDO:0018160.
Retinoblastoma (RB1). Also called: RETINOBLASTOMA, SOMATIC. Identifiers: Orphanet 790, MedGen C0035335, MeSH D012175, MONDO:0008380, OMIM 180200, HP:0009919. Disease mechanism: loss of function. Inheritance: Both sporadic and heritable forms are tested..

Allele frequency attached by ClinVar (database versions not stated): gnomAD 0.00001.
gnomAD v4.1: 2 of 1,514,738 alleles (0.00013%); highest among the groups gnomAD compares: East Asian, 0.0026%; no homozygotes.

Submissions (3):

Ramesar Group, Division of Human Genetics, Institute of Infectious Diseases and Molecular Medicine, UCT/MRC Genomic and Precision Medicine Research Unit, University of Cape Town
Classification: Likely benign for Hereditary retinoblastoma. Last evaluated: 2025-09-17. Review status: criteria provided, single submitter. Criteria: ACMG Guidelines, 2015. Collection method: research. Allele origin: germline. Affected: no.
Comment: BP5 - Variant found in a patient with a different retinal disease; RB1 is not associated with the phenotype BP7 - A non-coding variant with no predicted effect on splicing (SpliceAI scores are negligible)

Color Diagnostics, LLC DBA Color Health
Classification: Uncertain significance for Retinoblastoma. Last evaluated: 2025-08-24. Review status: criteria provided, single submitter. Criteria: ACMG Guidelines, 2015. Collection method: clinical testing. Allele origin: germline.
Comment: This variant is located in the 5' untranslated region of the RB1 gene. To our knowledge, functional studies have not been reported for this variant. This variant has not been reported in individuals affected with RB1-related disorders in the literature. This variant has not been identified in the general population by the Genome Aggregation Database (gnomAD). The available evidence is insufficient to determine the role of this variant in disease conclusively. Therefore, this variant is classified as a Variant of Uncertain Significance.

Labcorp Genetics (formerly Invitae), Labcorp
Classification: Uncertain significance for Retinoblastoma. Last evaluated: 2024-10-03. Review status: criteria provided, single submitter. Criteria: Invitae Variant Classification Sherloc (09022015). Collection method: clinical testing. Allele origin: germline.
Comment: This variant occurs in a non-coding region of the RB1 gene. It does not change the encoded amino acid sequence of the RB1 protein. This variant is not present in population databases (gnomAD no frequency). This variant has not been reported in the literature in individuals affected with RB1-related conditions. In summary, the available evidence is currently insufficient to determine the role of this variant in disease. Therefore, it has been classified as a Variant of Uncertain Significance.